The following is an entry in ClinVar:

NM_001130438.3(SPTAN1):c.1040G>A (p.Arg347His)

Gene: SPTAN1 (spectrin alpha, non-erythrocytic 1; plus strand). Cytogenetic location: 9q34.11.
Variant type: single nucleotide variant.
Coding change: c.1040G>A on transcript NM_001130438.3 (MANE Select); coding-DNA position 1040, G replaced by A.
Protein change: p.Arg347His; replaces arginine 347 with histidine.
Molecular consequence: missense variant.
Genome position (GRCh38, 1-based): chr9:128,577,461, G>A. VCF-style: chr9-128577461-G-A. GRCh37 (hg19) VCF-style: chr9-131339740-G-A.
Other names: p.R347H:CGC>CAC; c.1040G>A, p.Arg347His (NM_001195532.2, NM_001363759.2, NM_001363765.2 and 1 more transcripts); short protein forms R347H.
Identifiers: ClinVar variation 207316 (VCV000207316.18), dbSNP rs796053314, ClinGen allele CA318664.

ClinVar aggregate classification (germline): Uncertain significance. Review status: criteria provided, multiple submitters, no conflicts (2 of 4 stars). 4 submissions from 4 submitters: Uncertain significance (4). Last evaluated 2025-03-05.

Conditions:
Early-infantile DEE. Also called: Ohtahara syndrome; Early infantile epileptic encephalopathy; Early infantile epileptic encephalopathy with suppression bursts. Identifiers: Orphanet 1934, MedGen C0393706, MONDO:0800491.
Inborn genetic diseases. Identifiers: MedGen C0950123, MeSH D030342.
Developmental and epileptic encephalopathy, 5 (DEE5). Identifiers: Orphanet 3451, MedGen C3150731, MONDO:0013277, OMIM 613477.

Allele frequency attached by ClinVar (database versions not stated): gnomAD exomes 0.00002.
gnomAD v4.1: 13 of 1,614,142 alleles (0.00081%); highest among the groups gnomAD compares: Admixed American, 0.0067%; no homozygotes.

Submissions (4):

Labcorp Genetics (formerly Invitae), Labcorp
Classification: Uncertain significance for Early-infantile DEE. Last evaluated: 2025-03-05. Review status: criteria provided, single submitter. Criteria: Invitae Variant Classification Sherloc (09022015). Collection method: clinical testing. Allele origin: germline.
Comment: This sequence change replaces arginine, which is basic and polar, with histidine, which is basic and polar, at codon 347 of the SPTAN1 protein (p.Arg347His). This variant is present in population databases (rs796053314, gnomAD 0.01%). This variant has not been reported in the literature in individuals affected with SPTAN1-related conditions. ClinVar contains an entry for this variant (Variation ID: 207316). Invitae Evidence Modeling of protein sequence and biophysical properties (such as structural, functional, and spatial information, amino acid conservation, physicochemical variation, residue mobility, and thermodynamic stability) has been performed for this missense variant. However, the output from this modeling did not meet the statistical confidence thresholds required to predict the impact of this variant on SPTAN1 protein function. In summary, the available evidence is currently insufficient to determine the role of this variant in disease. Therefore, it has been classified as a Variant of Uncertain Significance.

Genome-Nilou Lab
Classification: Uncertain significance for Developmental and epileptic encephalopathy, 5. Last evaluated: 2021-07-15. Review status: criteria provided, single submitter. Criteria: ACMG Guidelines, 2015. Collection method: clinical testing. Allele origin: germline. Affected: no.

Ambry Genetics
Classification: Uncertain significance for Inborn genetic diseases. Last evaluated: 2016-11-30. Review status: criteria provided, single submitter. Criteria: Ambry Variant Classification Scheme 2023. Collection method: clinical testing. Allele origin: germline.
Comment: The p.R347H variant (also known as c.1040G>A), located in coding exon 7 of the SPTAN1 gene, results from a G to A substitution at nucleotide position 1040. The arginine at codon 347 is replaced by histidine, an amino acid with highly similar properties. This amino acid position is highly conserved in available vertebrate species. In addition, this alteration is predicted to be tolerated by in silico analysis. Since supporting evidence is limited at this time, the clinical significance of this alteration remains unclear.

GeneDx
Classification: Uncertain significance. Last evaluated: 2012-07-16. Review status: criteria provided, single submitter. Criteria: GeneDx Variant Classification (06012015). Collection method: clinical testing. Allele origin: germline. Affected: yes.
Comment: p.Arg347His (CGC>CAC): c.1040 G>A in exon 8 of the SPTAN1 gene (NM_001130438.1) The Arg347His variant in the SPTAN1 gene has not been published as a mutation, nor has it been reported as a benign polymorphism to our knowledge. The NHLBI ESP Exome Variant Project has not identified Arg347His in approximately 5,000 individuals of European or African American ethnicity, indicating that it is not a common benign variant in these populations. Data from population-matched controls are not available. Previously reported pathogenic mutations in SPTAN1 include in-frame deletions or duplications located in the last four spectrin repeats that are essential for dimerization (Saitsu et al., 2010), whereas the Arg347 residue is outside this region. Additionally, this amino acid substitution is conservative, as both Arginine and Histidine are positively charged amino acids. Some in silico models predict that the Arg347His substitution is damaging to protein structure/function but others classify it as a likely benign change. Based on the information currently available, it is unclear whether Arg347His is a disease-causing mutation or a rare benign variant. The variant is found in INFANT-EPI panel(s).